The following is an entry in ClinVar:

NM_015272.5(RPGRIP1L):c.883_884insT (p.Lys295fs)

Gene: RPGRIP1L (RPGRIP1 like; minus strand). Cytogenetic location: 16q12.2.
Variant type: Insertion.
Coding change: c.883_884insT on transcript NM_015272.5 (MANE Select); coding-DNA positions 883 to 884, T inserted.
Protein change: p.Lys295fs; shifts the reading frame from lysine 295.
Molecular consequence: frameshift variant.
Genome position: GRCh38 VCF-style: chr16-53673015-T-TA. GRCh37 (hg19) VCF-style: chr16-53706927-T-TA.
Other names: c.883_884insT, p.Lys295fs (NM_001127897.4, NM_001308334.3, NM_001330538.2); short protein forms K295fs.
Identifiers: ClinVar variation 2949066 (VCV002949066.3), dbSNP rs2544492460, ClinGen allele CA2740093372.

ClinVar aggregate classification (germline): Pathogenic (1 of 4 stars; one submission).

Conditions:
Joubert syndrome. Also called: CEREBELLOPARENCHYMAL DISORDER IV; JOUBERT-BOLTSHAUSER SYNDROME; Familial aplasia of the vermis. Identifiers: Orphanet 475, MedGen C5979921, MONDO:0018772.
Meckel-Gruber syndrome. Also called: DYSENCEPHALIA SPLANCHNOCYSTICA; GRUBER SYNDROME; Dysencephalia splachnocystica. Identifiers: Orphanet 564, MedGen C0265215, MONDO:0018921.

Submission:

Labcorp Genetics (formerly Invitae), Labcorp
Classification: Pathogenic for Joubert syndrome; Meckel-Gruber syndrome. Last evaluated: 2023-06-20. Review status: criteria provided, single submitter. Criteria: Invitae Variant Classification Sherloc (09022015). Collection method: clinical testing. Allele origin: germline.
Comment: This sequence change creates a premature translational stop signal (p.Lys295Ilefs*18) in the RPGRIP1L gene. It is expected to result in an absent or disrupted protein product. Loss-of-function variants in RPGRIP1L are known to be pathogenic (PMID: 17558409). This variant is not present in population databases (gnomAD no frequency). This variant has not been reported in the literature in individuals affected with RPGRIP1L-related conditions. Algorithms developed to predict the effect of sequence changes on RNA splicing suggest that this variant may disrupt the consensus splice site. For these reasons, this variant has been classified as Pathogenic.

Literature cited by the submitters: PubMed 17558409.